The following is an entry in ClinVar:

NM_004787.4(SLIT2):c.734A>G (p.His245Arg)

Gene: SLIT2 (slit guidance ligand 2; plus strand). Cytogenetic location: 4p15.31.
Variant type: single nucleotide variant.
Coding change: c.734A>G on transcript NM_004787.4 (MANE Select); coding-DNA position 734, A replaced by G.
Protein change: p.His245Arg; replaces histidine 245 with arginine.
Molecular consequence: missense variant.
Genome position (GRCh38, 1-based): chr4:20,488,941, A>G. VCF-style: chr4-20488941-A-G. GRCh37 (hg19) VCF-style: chr4-20490564-A-G.
Other names: c.734A>G, p.His245Arg (NM_001289135.3, NM_001289136.3); short protein forms H245R.
Identifiers: ClinVar variation 2055090 (VCV002055090.12), dbSNP rs200891878, ClinGen allele CA2871186.
Genomic context (GRCh38, chr4:20,488,941, plus strand): 5'-GCCAAAGGCCTCGGGTTGGTCTGTACACTCAGTGTATGGGCCCCTCCCACCTGAGAGGCC[A>G]TAATGTAGCCGAGGTTCAAAAACGAGAATTTGTCTGCAGTGGTAAGGGAGAAGGAAGAGT-3'
Protein context (NP_004778.1, residues 235-255): QCMGPSHLRG[His245Arg]NVAEVQKREF

ClinVar aggregate classification (germline): Conflicting classifications of pathogenicity. Review status: criteria provided, conflicting classifications (1 of 4 stars). 3 submissions from 3 submitters: Uncertain significance (2); Likely benign (1). Last evaluated 2025-10-01.

Allele frequency attached by ClinVar (database versions not stated): 1000 Genomes Project 30x 0.00016; 1000 Genomes Project 0.00020; ExAC 0.00040; gnomAD 0.00048; gnomAD exomes 0.00052; TOPMed 0.00056; ESP Exome Variant Server 0.00092.
gnomAD v4.1: 836 of 1,611,898 alleles (0.052%); highest among the groups gnomAD compares: Non-Finnish European, 0.065%; no homozygotes.

Submissions (3):

CeGaT Center for Human Genetics Tuebingen
Classification: Likely benign. Last evaluated: 2025-10-01. Review status: criteria provided, single submitter. Criteria: CeGaT Center For Human Genetics Tuebingen Variant Classification Criteria Version 2. Collection method: clinical testing. Allele origin: germline. Affected: yes. Observed: 1 variant allele.
Comment: SLIT2: BS2

Labcorp Genetics (formerly Invitae), Labcorp
Classification: Uncertain significance. Last evaluated: 2025-07-02. Review status: criteria provided, single submitter. Criteria: Invitae Variant Classification Sherloc (09022015). Collection method: clinical testing. Allele origin: germline.
Comment: This sequence change replaces histidine, which is basic and polar, with arginine, which is basic and polar, at codon 245 of the SLIT2 protein (p.His245Arg). This variant is present in population databases (rs200891878, gnomAD 0.07%), and has an allele count higher than expected for a pathogenic variant. This variant has not been reported in the literature in individuals affected with SLIT2-related conditions. ClinVar contains an entry for this variant (Variation ID: 2055090). An algorithm developed to predict the effect of missense changes on protein structure and function (PolyPhen-2) suggests that this variant is likely to be disruptive. In summary, the available evidence is currently insufficient to determine the role of this variant in disease. Therefore, it has been classified as a Variant of Uncertain Significance.

Ambry Genetics
Classification: Uncertain significance. Last evaluated: 2024-10-01. Review status: criteria provided, single submitter. Criteria: Ambry Variant Classification Scheme 2023. Collection method: clinical testing. Allele origin: germline.